The following is an entry in ClinVar:

NM_001256789.3(CACNA1F):c.5126G>A (p.Arg1709Lys)

Gene: CACNA1F (calcium voltage-gated channel subunit alpha1 F; minus strand). Cytogenetic location: Xp11.23.
Variant type: single nucleotide variant.
Coding change: c.5126G>A on transcript NM_001256789.3 (MANE Select); coding-DNA position 5126, G replaced by A.
Protein change: p.Arg1709Lys; replaces arginine 1709 with lysine.
Molecular consequence: missense variant.
Genome position (GRCh38, 1-based): chrX:49,207,110, C>T on the plus strand (G>A on the coding strand, the complement: CACNA1F is on the minus strand). VCF-style: chrX-49207110-C-T. GRCh37 (hg19) VCF-style: chrX-49063571-C-T.
Other names: c.4964G>A, p.Arg1655Lys (NM_001256790.3); c.5159G>A, p.Arg1720Lys (NM_005183.4); short protein forms R1709K, R1720K, R1655K.
Identifiers: ClinVar variation 2101813 (VCV002101813.4), dbSNP rs2065606291, ClinGen allele CA412958815.

ClinVar aggregate classification (germline): Uncertain significance (1 of 4 stars; one submission).

Allele frequency attached by ClinVar (database versions not stated): TOPMed 0.00001.

Submission:

Labcorp Genetics (formerly Invitae), Labcorp
Classification: Uncertain significance. Last evaluated: 2022-02-22. Review status: criteria provided, single submitter. Criteria: Invitae Variant Classification Sherloc (09022015). Collection method: clinical testing. Allele origin: germline.
Comment: In summary, the available evidence is currently insufficient to determine the role of this variant in disease. Therefore, it has been classified as a Variant of Uncertain Significance. Algorithms developed to predict the effect of sequence changes on RNA splicing suggest that this variant may create or strengthen a splice site. Algorithms developed to predict the effect of missense changes on protein structure and function (SIFT, PolyPhen-2, Align-GVGD) all suggest that this variant is likely to be tolerated. This variant has not been reported in the literature in individuals affected with CACNA1F-related conditions. This variant is not present in population databases (gnomAD no frequency). This sequence change replaces arginine, which is basic and polar, with lysine, which is basic and polar, at codon 1720 of the CACNA1F protein (p.Arg1720Lys).